The following is an entry in ClinVar:

ClinVar aggregate classification (germline): Likely benign. Review status: criteria provided, multiple submitters, no conflicts (2 of 4 stars). 3 submissions from 3 submitters: Likely benign (3). Last evaluated 2025-11-18.

Conditions:
BBS1-related disorder. Also called: BBS1-related condition.
Bardet-Biedl syndrome (BBS). Identifiers: Orphanet 110, MedGen C0752166, MONDO:0015229.

Allele frequency attached by ClinVar (database versions not stated): gnomAD exomes 0.00001 and 0.00002; ExAC 0.00002; gnomAD 0.00001.
gnomAD v4.1: 12 of 1,614,088 alleles (0.00074%); highest among the groups gnomAD compares: Admixed American, 0.0017%; no homozygotes.

Submissions (3):

PreventionGenetics, part of Exact Sciences
Classification: Likely benign for BBS1-related condition. Last evaluated: 2025-11-18. Review status: criteria provided, single submitter. Criteria: ACMG Guidelines, 2015. Collection method: clinical testing. Allele origin: germline.
Comment: This variant is classified as likely benign based on ACMG/AMP sequence variant interpretation guidelines (Richards et al. 2015 PMID: 25741868, with internal and published modifications).

Labcorp Genetics (formerly Invitae), Labcorp
Classification: Likely benign for Bardet-Biedl syndrome. Last evaluated: 2024-07-17. Review status: criteria provided, single submitter. Criteria: Invitae Variant Classification Sherloc (09022015). Collection method: clinical testing. Allele origin: germline.

Blueprint Genetics
Classification: Likely benign. Last evaluated: 2021-08-04. Review status: criteria provided, single submitter. Criteria: ACMG Guidelines, 2015. Collection method: clinical testing. Allele origin: germline.

NM_024649.5(BBS1):c.792C>T (p.Ala264=)

Genes: BBS1 (Bardet-Biedl syndrome 1; plus strand), ZDHHC24 (zDHHC palmitoyltransferase 24; minus strand). Cytogenetic location: 11q13.2.
Variant type: single nucleotide variant.
Coding change: c.792C>T on transcript NM_024649.5 (MANE Select); coding-DNA position 792, C replaced by T.
Protein change: p.Ala264=; no amino-acid change (alanine 264 retained).
Molecular consequence: synonymous variant. On other transcripts: 3 prime UTR variant (1).
Genome position (GRCh38, 1-based): chr11:66,521,338, C>T. VCF-style: chr11-66521338-C-T. GRCh37 (hg19) VCF-style: chr11-66288809-C-T.
Other names: c.*150G>A (NM_001348571.2).
Identifiers: ClinVar variation 1139599 (VCV001139599.11), dbSNP rs770901594, ClinGen allele CA6123492.
Genomic context (GRCh38, chr11:66,521,338, plus strand): 5'-TCCCAGCGTCCCCGTCTTCCTAGAGGTTTCTGGCCAGTTTGATGTTGAGTTCCGGCTTGC[C>T]GCGGCCTGCCGCAATGGAAACATCTATATTCTGAGAAGGTAGCCACATCCGTGGTCTCCG-3'
Protein context (NP_078925.3, residues 254-274): SGQFDVEFRL[Ala264=]AACRNGNIYI